The following is an entry in ClinVar:

ClinVar aggregate classification (germline): Likely benign (1 of 4 stars; one submission).

gnomAD v4.1: 19 of 1,614,168 alleles (0.0012%); highest among the groups gnomAD compares: South Asian, 0.011%; 1 homozygote.

Submission:

CeGaT Center for Human Genetics Tuebingen
Classification: Likely benign. Last evaluated: 2024-12-01. Review status: criteria provided, single submitter. Criteria: CeGaT Center For Human Genetics Tuebingen Variant Classification Criteria Version 2. Collection method: clinical testing. Allele origin: germline. Affected: yes. Observed: 1 variant allele.
Comment: POU3F3: BP4, BP7

NM_006236.3(POU3F3):c.1050C>T (p.Leu350=)

Gene: POU3F3 (POU class 3 homeobox 3; plus strand). Cytogenetic location: 2q12.1.
Variant type: single nucleotide variant.
Coding change: c.1050C>T on transcript NM_006236.3 (MANE Select); coding-DNA position 1050, C replaced by T.
Protein change: p.Leu350=; no amino-acid change (leucine 350 retained).
Molecular consequence: synonymous variant.
Genome position (GRCh38, 1-based): chr2:104,856,560, C>T. VCF-style: chr2-104856560-C-T. GRCh37 (hg19) VCF-style: chr2-105473018-C-T.
Identifiers: ClinVar variation 3771445 (VCV003771445.13).